The following is an entry in ClinVar:

NM_006361.6(HOXB13):c.464C>T (p.Pro155Leu)

Gene: HOXB13 (homeobox B13; minus strand). Cytogenetic location: 17q21.32.
Variant type: single nucleotide variant.
Coding change: c.464C>T on transcript NM_006361.6 (MANE Select); coding-DNA position 464, C replaced by T.
Protein change: p.Pro155Leu; replaces proline 155 with leucine.
Molecular consequence: missense variant.
Genome position (GRCh38, 1-based): chr17:48,728,130, G>A on the plus strand (C>T on the coding strand, the complement: HOXB13 is on the minus strand). VCF-style: chr17-48728130-G-A. GRCh37 (hg19) VCF-style: chr17-46805492-G-A.
Other names: short protein forms P155L.
Identifiers: ClinVar variation 690780 (VCV000690780.4), dbSNP rs1597934146, ClinGen allele CA400107403.

ClinVar aggregate classification (germline): Uncertain significance. Review status: criteria provided, single submitter (1 of 4 stars). 2 submissions from 2 submitters: Uncertain significance (1). 1 of the submissions does not count toward it. Last evaluated 2024-09-11.

Conditions:
Prostate cancer, hereditary, 1 (HPC1). Identifiers: Orphanet 1331, MedGen C4722327, MONDO:0011098, OMIM 601518.

Submissions (2):

Labcorp Genetics (formerly Invitae), Labcorp
Classification: Uncertain significance. Last evaluated: 2024-09-11. Review status: criteria provided, single submitter. Criteria: Invitae Variant Classification Sherloc (09022015). Collection method: clinical testing. Allele origin: germline.
Comment: This sequence change replaces proline, which is neutral and non-polar, with leucine, which is neutral and non-polar, at codon 155 of the HOXB13 protein (p.Pro155Leu). This variant is not present in population databases (gnomAD no frequency). This variant has not been reported in the literature in individuals affected with HOXB13-related conditions. ClinVar contains an entry for this variant (Variation ID: 690780). Invitae Evidence Modeling of protein sequence and biophysical properties (such as structural, functional, and spatial information, amino acid conservation, physicochemical variation, residue mobility, and thermodynamic stability) indicates that this missense variant is not expected to disrupt HOXB13 protein function with a negative predictive value of 80%. In summary, the available evidence is currently insufficient to determine the role of this variant in disease. Therefore, it has been classified as a Variant of Uncertain Significance.

Laboratory of Virology, Microbiology,  Quality and Medical Biotechnologies, Faculty of Sciences and Techniques - Mohammedia, Hassan II University of Casablanca
Classification: Uncertain significance for Prostate cancer, hereditary, 1. Review status: no assertion criteria provided. Collection method: clinical testing. Allele origin: somatic. Affected: yes. Not counted in ClinVar's aggregate classification.